The following is an entry in ClinVar:

ClinVar aggregate classification (germline): Uncertain significance. Review status: criteria provided, multiple submitters, no conflicts (2 of 4 stars). 2 submissions from 2 submitters: Uncertain significance (2). Last evaluated 2021-10-10.

Conditions:
Hereditary cancer-predisposing syndrome. Also called: Neoplastic Syndromes, Hereditary; Tumor predisposition; Hereditary neoplastic syndrome; Hereditary Cancer Syndrome. Identifiers: Orphanet 140162, MedGen C0027672, MeSH D009386, MONDO:0015356.
Tuberous sclerosis 2 (TSC2). Identifiers: Orphanet 805, MedGen C1860707, MONDO:0013199, OMIM 613254.

gnomAD v4.1: 1 of 1,614,214 alleles (0.000062%); highest among the groups gnomAD compares: Non-Finnish European, 0.000085%; no homozygotes.

Submissions (2):

Labcorp Genetics (formerly Invitae), Labcorp
Classification: Uncertain significance for Tuberous sclerosis 2. Last evaluated: 2021-10-10. Review status: criteria provided, single submitter. Criteria: Invitae Variant Classification Sherloc (09022015). Collection method: clinical testing. Allele origin: germline.
Comment: In summary, the available evidence is currently insufficient to determine the role of this variant in disease. Therefore, it has been classified as a Variant of Uncertain Significance. Algorithms developed to predict the effect of missense changes on protein structure and function are either unavailable or do not agree on the potential impact of this missense change (SIFT: "Deleterious"; PolyPhen-2: "Probably Damaging"; Align-GVGD: "Class C0"). This variant has not been reported in the literature in individuals affected with TSC2-related conditions. This variant is not present in population databases (ExAC no frequency). This sequence change replaces arginine with lysine at codon 120 of the TSC2 protein (p.Arg120Lys). The arginine residue is highly conserved and there is a small physicochemical difference between arginine and lysine.

Ambry Genetics
Classification: Uncertain significance for Hereditary cancer-predisposing syndrome. Last evaluated: 2021-08-11. Review status: criteria provided, single submitter. Criteria: Ambry Variant Classification Scheme 2023. Collection method: clinical testing. Allele origin: germline.
Comment: The p.R120K variant (also known as c.359G>A), located in coding exon 4 of the TSC2 gene, results from a G to A substitution at nucleotide position 359. The arginine at codon 120 is replaced by lysine, an amino acid with highly similar properties. This amino acid position is highly conserved in available vertebrate species. In addition, this alteration is predicted to be deleterious by in silico analysis. Since supporting evidence is limited at this time, the clinical significance of this alteration remains unclear.

NM_000548.5(TSC2):c.359G>A (p.Arg120Lys)

Gene: TSC2 (TSC complex subunit 2; plus strand). Cytogenetic location: 16p13.3.
Variant type: single nucleotide variant.
Coding change: c.359G>A on transcript NM_000548.5 (MANE Select); coding-DNA position 359, G replaced by A.
Protein change: p.Arg120Lys; replaces arginine 120 with lysine.
Molecular consequence: missense variant. On other transcripts: intron variant (1).
Genome position (GRCh38, 1-based): chr16:2,054,318, G>A. VCF-style: chr16-2054318-G-A. GRCh37 (hg19) VCF-style: chr16-2104319-G-A.
Other names: c.359G>A, p.Arg120Lys (NM_001077183.3, NM_001363528.2, NM_001370404.1 and 3 more transcripts); c.248G>A, p.Arg83Lys (NM_001318827.2); c.212G>A, p.Arg71Lys (NM_001318829.2); c.392G>A, p.Arg131Lys (NM_001318832.2); c.-1-1878G>A (NM_001318831.2); short protein forms R131K, R120K, R71K, R83K.
Identifiers: ClinVar variation 1485795 (VCV001485795.8), dbSNP rs2151040587, ClinGen allele CA394306598.